The following is an entry in ClinVar:

ClinVar aggregate classification (germline): Uncertain significance (1 of 4 stars; one submission).

Conditions:
X-linked lymphoproliferative disease due to SH2D1A deficiency (XLP1). Also called: SH2D1A-Related Lymphoproliferative Disease, X-Linked; PURTILO SYNDROME; DUNCAN DISEASE; IMMUNODEFICIENCY 5; IMMUNODEFICIENCY, X-LINKED PROGRESSIVE COMBINED VARIABLE; INFECTIOUS MONONUCLEOSIS, SEVERE, SUSCEPTIBILITY TO. Identifiers: Orphanet 2442, Orphanet 538931, MedGen C5399825, MONDO:0024551, OMIM 308240.

Submission:

3billion
Classification: Uncertain significance for X-linked lymphoproliferative disease due to SH2D1A deficiency. Last evaluated: 2024-10-07. Review status: criteria provided, single submitter. Criteria: ACMG Guidelines, 2015. Collection method: clinical testing. Allele origin: germline. Affected: yes.
Comment: The variant is not observed in the gnomAD v4.1.0 dataset. Predicted Consequence/Location: Missense variant In silico tool predictions suggest damaging effect of the variant on gene or gene product [REVEL: 0.87 (>=0.6, sensitivity 0.68 and specificity 0.92)]. Therefore, this variant is classified as VUS according to the recommendation of ACMG/AMP guideline.

NM_002351.5(SH2D1A):c.134T>G (p.Val45Gly)

Gene: SH2D1A (SH2 domain containing 1A; plus strand). Cytogenetic location: Xq25.
Variant type: single nucleotide variant.
Coding change: c.134T>G on transcript NM_002351.5 (MANE Select); coding-DNA position 134, T replaced by G.
Protein change: p.Val45Gly; replaces valine 45 with glycine.
Molecular consequence: missense variant.
Genome position (GRCh38, 1-based): chrX:124,346,776, T>G. VCF-style: chrX-124346776-T-G. GRCh37 (hg19) VCF-style: chrX-123480626-T-G.
Other names: c.134T>G, p.Val45Gly (NM_001114937.3); short protein forms V45G.
Identifiers: ClinVar variation 4291865 (VCV004291865.1).